The following is an entry in ClinVar:

ClinVar aggregate classification (germline): Uncertain significance (1 of 4 stars; one submission).

Conditions:
Hereditary cancer-predisposing syndrome. Also called: Neoplastic Syndromes, Hereditary; Hereditary neoplastic syndrome; Tumor predisposition; Hereditary Cancer Syndrome. Identifiers: Orphanet 140162, MedGen C0027672, MeSH D009386, MONDO:0015356.

Submission:

Labcorp Genetics (formerly Invitae), Labcorp
Classification: Uncertain significance for Hereditary cancer-predisposing syndrome. Last evaluated: 2022-12-20. Review status: criteria provided, single submitter. Criteria: Invitae Variant Classification Sherloc (09022015). Collection method: clinical testing. Allele origin: germline.
Comment: This sequence change replaces leucine, which is neutral and non-polar, with phenylalanine, which is neutral and non-polar, at codon 1237 of the RAD50 protein (p.Leu1237Phe). This variant is not present in population databases (gnomAD no frequency). This variant has not been reported in the literature in individuals affected with RAD50-related conditions. Advanced modeling of protein sequence and biophysical properties (such as structural, functional, and spatial information, amino acid conservation, physicochemical variation, residue mobility, and thermodynamic stability) performed at Invitae indicates that this missense variant is expected to disrupt RAD50 protein function. In summary, the available evidence is currently insufficient to determine the role of this variant in disease. Therefore, it has been classified as a Variant of Uncertain Significance.

NM_005732.4(RAD50):c.3709C>T (p.Leu1237Phe)

Genes: RAD50 (RAD50 double strand break repair protein; plus strand), TH2LCRR (T helper type 2 locus control region associated RNA; minus strand), TH2-LCR (Th2 cytokine locus control region; plus strand). Cytogenetic location: 5q31.1.
Variant type: single nucleotide variant.
Coding change: c.3709C>T on transcript NM_005732.4 (MANE Select); coding-DNA position 3709, C replaced by T.
Protein change: p.Leu1237Phe; replaces leucine 1237 with phenylalanine.
Molecular consequence: missense variant.
Genome position (GRCh38, 1-based): chr5:132,640,762, C>T. VCF-style: chr5-132640762-C-T. GRCh37 (hg19) VCF-style: chr5-131976454-C-T.
Other names: short protein forms L1237F.
Identifiers: ClinVar variation 2822274 (VCV002822274.3), dbSNP rs2149865762, ClinGen allele CA360934648.